The following is an entry in ClinVar:

ClinVar aggregate classification (germline): Uncertain significance. Review status: criteria provided, multiple submitters, no conflicts (2 of 4 stars). 2 submissions from 2 submitters: Uncertain significance (2). Last evaluated 2024-01-27.

Conditions:
Rhabdoid tumor predisposition syndrome 2 (RTPS2). Identifiers: Orphanet 231108, Orphanet 69077, MedGen C2750074, MONDO:0013224, OMIM 613325.
Hereditary cancer-predisposing syndrome. Also called: Neoplastic Syndromes, Hereditary; Tumor predisposition; Hereditary neoplastic syndrome; Hereditary Cancer Syndrome. Identifiers: Orphanet 140162, MedGen C0027672, MeSH D009386, MONDO:0015356.

Allele frequency attached by ClinVar (database versions not stated): gnomAD exomes below 0.00001 and 0.00001.
gnomAD v4.1: 4 of 1,614,082 alleles (0.00025%); highest among the groups gnomAD compares: South Asian, 0.0011%; no homozygotes.

Submissions (2):

Labcorp Genetics (formerly Invitae), Labcorp
Classification: Uncertain significance for Rhabdoid tumor predisposition syndrome 2. Last evaluated: 2024-01-27. Review status: criteria provided, single submitter. Criteria: Invitae Variant Classification Sherloc (09022015). Collection method: clinical testing. Allele origin: germline.
Comment: This sequence change replaces threonine, which is neutral and polar, with methionine, which is neutral and non-polar, at codon 506 of the SMARCA4 protein (p.Thr506Met). This variant is present in population databases (no rsID available, gnomAD 0.004%). This variant has not been reported in the literature in individuals affected with SMARCA4-related conditions. ClinVar contains an entry for this variant (Variation ID: 838327). Advanced modeling of protein sequence and biophysical properties (such as structural, functional, and spatial information, amino acid conservation, physicochemical variation, residue mobility, and thermodynamic stability) performed at Invitae indicates that this missense variant is not expected to disrupt SMARCA4 protein function with a negative predictive value of 95%. In summary, the available evidence is currently insufficient to determine the role of this variant in disease. Therefore, it has been classified as a Variant of Uncertain Significance.

Ambry Genetics
Classification: Uncertain significance for Hereditary cancer-predisposing syndrome. Last evaluated: 2023-06-20. Review status: criteria provided, single submitter. Criteria: Ambry Variant Classification Scheme 2023. Collection method: clinical testing. Allele origin: germline.
Comment: The p.T506M variant (also known as c.1517C>T), located in coding exon 8 of the SMARCA4 gene, results from a C to T substitution at nucleotide position 1517. The threonine at codon 506 is replaced by methionine, an amino acid with similar properties. This amino acid position is highly conserved in available vertebrate species. In addition, the in silico prediction for this alteration is inconclusive. Missense and in-frame variants in SMARCA4 are known to cause neurodevelopmental disorders; however, such associations with rhabdoid tumor predisposition syndrome including small cell carcinoma of the ovary-hypercalcemic type (SCCOHT) are exceedingly rare (Kosho T et al. Am J Med Genet C Semin Med Genet. 2014 Sep;166C(3):262-75; Jelinic P et al. Nat Genet. 2014 May;46(5):424-6). Based on the supporting evidence, the association of this alteration with Coffin-Siris syndrome is unknown; however, the association of this alteration with rhabdoid tumor predisposition syndrome is unlikely.

NM_003072.5(SMARCA4):c.1517C>T (p.Thr506Met)

Gene: SMARCA4 (SWI/SNF related BAF chromatin remodeling complex subunit ATPase 4; plus strand). Cytogenetic location: 19p13.2.
Variant type: single nucleotide variant.
Coding change: c.1517C>T on transcript NM_003072.5 (MANE Select); coding-DNA position 1517, C replaced by T.
Protein change: p.Thr506Met; replaces threonine 506 with methionine.
Molecular consequence: missense variant. On other transcripts: non-coding transcript variant (1).
Genome position (GRCh38, 1-based): chr19:10,994,925, C>T. VCF-style: chr19-10994925-C-T. GRCh37 (hg19) VCF-style: chr19-11105601-C-T.
Other names: c.1517C>T, p.Thr506Met (NM_001128844.3, NM_001128845.2, NM_001128846.2 and 4 more transcripts); short protein forms T506M.
Identifiers: ClinVar variation 838327 (VCV000838327.10), dbSNP rs1286498410, ClinGen allele CA404062163.